The following is an entry in ClinVar:

ClinVar aggregate classification (germline): Uncertain significance (1 of 4 stars; one submission).

Submission:

Dasa
Classification: Uncertain significance. Last evaluated: 2025-06-04. Review status: criteria provided, single submitter. Criteria: DASA Assertion Criteria. Collection method: clinical testing. Allele origin: germline.
Comment: NM_018489.3(ASH1L):c.4068G>A (p.Met1356Ile) is a missense variant that results in the substitution of methionine with isoleucine. This variant is absent from population databases. Computational prediction algorithms are consistent with a benign effect. The currently available literature and clinical evidence are not sufficient to establish a definitive association between this variant and the reported condition. Therefore, this variant is classified as a variant of uncertain significance.

NM_018489.3(ASH1L):c.4068G>A (p.Met1356Ile)

Gene: ASH1L (ASH1 like histone lysine methyltransferase; minus strand). Cytogenetic location: 1q22.
Variant type: single nucleotide variant.
Coding change: c.4068G>A on transcript NM_018489.3 (MANE Select); coding-DNA position 4068, G replaced by A.
Protein change: p.Met1356Ile; replaces methionine 1356 with isoleucine.
Molecular consequence: missense variant.
Genome position (GRCh38, 1-based): chr1:155,478,802, C>T on the plus strand (G>A on the coding strand, the complement: ASH1L is on the minus strand). VCF-style: chr1-155478802-C-T. GRCh37 (hg19) VCF-style: chr1-155448593-C-T.
Other names: c.4068G>A, p.Met1356Ile (NM_001366177.2); short protein forms M1356I.
Identifiers: ClinVar variation 4881602 (VCV004881602.2).